The following is an entry in ClinVar:

NM_000153.4(GALC):c.1142C>T (p.Thr381Ile)

Gene: GALC (galactosylceramidase; minus strand). Cytogenetic location: 14q31.3.
Variant type: single nucleotide variant.
Coding change: c.1142C>T on transcript NM_000153.4 (MANE Select); coding-DNA position 1142, C replaced by T.
Protein change: p.Thr381Ile; replaces threonine 381 with isoleucine.
Molecular consequence: missense variant. On other transcripts: non-coding transcript variant (1).
Genome position (GRCh38, 1-based): chr14:87,963,403, G>A on the plus strand (C>T on the coding strand, the complement: GALC is on the minus strand). VCF-style: chr14-87963403-G-A. GRCh37 (hg19) VCF-style: chr14-88429747-G-A.
Other names: c.1073C>T, p.Thr358Ile (NM_001201401.2); c.1064C>T, p.Thr355Ile (NM_001201402.2); c.974C>T, p.Thr325Ile (NM_001424071.1, NM_001424072.1, NM_001424073.1); c.794C>T, p.Thr265Ile (NM_001424074.1, NM_001424075.1); c.509C>T, p.Thr170Ile (NM_001424076.1, NM_001424077.1); short protein forms T170I, T265I, T325I, T355I, T358I, T381I.
Identifiers: ClinVar variation 3907203 (VCV003907203.1).

ClinVar aggregate classification (germline): Uncertain significance (1 of 4 stars; one submission).

Submission:

Women's Health and Genetics/Laboratory Corporation of America, LabCorp
Classification: Uncertain significance. Last evaluated: 2025-06-11. Review status: criteria provided, single submitter. Criteria: LabCorp Variant Classification Summary - May 2015. Collection method: clinical testing. Allele origin: germline.
Comment: Variant summary: GALC c.1142C>T (p.Thr381Ile) results in a non-conservative amino acid change in the encoded protein sequence. Algorithms developed to predict the effect of missense changes on protein structure and function all suggest that this variant is likely to be disruptive. The variant allele was found at a frequency of 4e-06 in 249048 control chromosomes. The available data on variant occurrences in the general population are insufficient to allow any conclusion about variant significance. c.1142C>T has been observed in individual(s) affected with Krabbe Disease (example: Madsen_2019). These data do not allow any conclusion about variant significance.The following publication has been ascertained in the context of this evaluation (PMID: 31240153). No submitters have cited clinical-significance assessments for this variant to ClinVar. Based on the evidence outlined above, the variant was classified as uncertain significance.

Literature cited by the submitters: PubMed 31240153.